The following is an entry in ClinVar:

NM_001370704.1(APOLTP):c.5877G>A (p.Pro1959=)

Gene: APOLTP (apolipoprotein lipid transfer particle homolog; minus strand). Cytogenetic location: 16p13.13.
Variant type: single nucleotide variant.
Coding change: c.5877G>A on transcript NM_001370704.1 (MANE Select); coding-DNA position 5877, G replaced by A.
Protein change: p.Pro1959=; no amino-acid change (proline 1959 retained).
Molecular consequence: synonymous variant.
Genome position (GRCh38, 1-based): chr16:11,425,156, C>T on the plus strand (G>A on the coding strand, the complement: APOLTP is on the minus strand). VCF-style: chr16-11425156-C-T. GRCh37 (hg19) VCF-style: chr16-11519012-C-T.
Other names: c.5877G>A, p.Pro1959= (NM_001395505.1).
Identifiers: ClinVar variation 2646221 (VCV002646221.24), dbSNP rs1036764893, ClinGen allele CA278307691.

ClinVar aggregate classification (germline): Likely benign (1 of 4 stars; one submission).

Allele frequency attached by ClinVar (database versions not stated): gnomAD 0.00009; gnomAD exomes 0.00010; TOPMed 0.00019.
gnomAD v4.1: 45 of 398,870 alleles (0.011%); highest among the groups gnomAD compares: Admixed American, 0.022%; no homozygotes.

Submission:

CeGaT Center for Human Genetics Tuebingen
Classification: Likely benign. Last evaluated: 2022-07-01. Review status: criteria provided, single submitter. Criteria: CeGaT Center For Human Genetics Tuebingen Variant Classification Criteria Version 2. Collection method: clinical testing. Allele origin: germline. Affected: yes. Observed: 1 variant allele.
Comment: LOC400499: BP4, BP7